The following is an entry in ClinVar:

ClinVar aggregate classification (germline): Likely benign. Review status: reviewed by expert panel (3 of 4 stars). 9 submissions from 9 submitters: Likely benign (1). 8 of the submissions do not count toward it. Last evaluated 2017-06-29.

Conditions:
Hereditary breast ovarian cancer syndrome. Also called: Hereditary breast and ovarian cancer syndrome; Hereditary breast and ovarian cancer syndrome (HBOC); BRCA1- and BRCA2-Associated Hereditary Breast and Ovarian Cancer; Breast and ovarian cancer; Hereditary breast and ovarian cancer; Hereditary breast and/or ovarian cancer syndrome. Identifiers: Orphanet 145, MedGen C0677776, MeSH D061325, MONDO:0003582. Disease mechanism: loss of function.
Hereditary cancer-predisposing syndrome. Also called: Hereditary Cancer Syndrome; Hereditary neoplastic syndrome; Tumor predisposition; Neoplastic Syndromes, Hereditary. Identifiers: Orphanet 140162, MedGen C0027672, MeSH D009386, MONDO:0015356.
Breast-ovarian cancer, familial, susceptibility to, 1 (BROVCA1). Also called: OVARIAN CANCER, SUSCEPTIBILITY TO; BRCA1 Hereditary Breast and Ovarian Cancer. Identifiers: Orphanet 145, MedGen C2676676, MONDO:0011450, OMIM 604370. Disease mechanism: loss of function.

Allele frequency attached by ClinVar (database versions not stated): gnomAD exomes 0.00001 and 0.00002; TOPMed 0.00001; ExAC 0.00002.

Submissions (10):

Evidence-based Network for the Interpretation of Germline Mutant Alleles (ENIGMA)
Classification: Likely benign for Breast-ovarian cancer, familial, susceptibility to, 1. Last evaluated: 2017-06-29. Review status: reviewed by expert panel. Criteria: ENIGMA BRCA1/2 Classification Criteria (2017-06-29). Collection method: curation. Allele origin: germline.
Comment: Synonymous substitution variant, with low bioinformatic likelihood to result in a splicing aberration (Splicing prior probability 0.02).

Labcorp Genetics (formerly Invitae), Labcorp
Classification: Likely benign for Hereditary breast ovarian cancer syndrome. Last evaluated: 2025-12-30. Review status: criteria provided, single submitter. Criteria: Invitae Variant Classification Sherloc (09022015). Collection method: clinical testing. Allele origin: germline. Not counted in ClinVar's aggregate classification.

All of Us Research Program, National Institutes of Health
Classification: Benign for Breast-ovarian cancer, familial, susceptibility to, 1. Last evaluated: 2023-10-27. Review status: criteria provided, single submitter. Criteria: ACMG Guidelines, 2015. Collection method: clinical testing. Allele origin: germline. Inheritance: Autosomal dominant inheritance. Observed: 2 variant alleles, 2 heterozygotes. Not counted in ClinVar's aggregate classification.
Comment: This study involves interpretation of variants in research participants for the purpose of population health screening. Participant phenotype was not available at the time of variant classification. Additional details can be found in publication PMID: 35346344, PMCID: PMC8962531

Quest Diagnostics Nichols Institute San Juan Capistrano
Classification: Benign. Last evaluated: 2022-06-30. Review status: criteria provided, single submitter. Criteria: Quest Diagnostics criteria. Collection method: clinical testing. Allele origin: unknown. Not counted in ClinVar's aggregate classification.

Women's Health and Genetics/Laboratory Corporation of America, LabCorp
Classification: Likely benign. Last evaluated: 2022-01-31. Review status: criteria provided, single submitter. Criteria: LabCorp Variant Classification Summary - May 2015. Collection method: clinical testing. Allele origin: germline. Not counted in ClinVar's aggregate classification.

GeneDx
Classification: Likely benign. Last evaluated: 2018-05-03. Review status: criteria provided, single submitter. Criteria: GeneDx Variant Classification Process June 2021. Collection method: clinical testing. Allele origin: germline. Affected: yes. Not counted in ClinVar's aggregate classification.
Comment: This variant is associated with the following publications: (PMID: 30209399)

Color Diagnostics, LLC DBA Color Health
Classification: Benign for Hereditary cancer-predisposing syndrome. Last evaluated: 2016-10-31. Review status: criteria provided, single submitter. Criteria: ACMG Guidelines, 2015. Collection method: clinical testing. Allele origin: germline. Not counted in ClinVar's aggregate classification.

Ambry Genetics
Classification: Likely benign for Hereditary cancer-predisposing syndrome. Last evaluated: 2014-07-02. Review status: criteria provided, single submitter. Criteria: Ambry Variant Classification Scheme 2023. Collection method: clinical testing. Allele origin: germline. Not counted in ClinVar's aggregate classification.

Counsyl
Classification: Likely benign for Breast-ovarian cancer, familial, susceptibility to, 1. Last evaluated: 2016-05-24. Review status: no assertion criteria provided. Collection method: clinical testing. Allele origin: unknown. Not counted in ClinVar's aggregate classification.

Brotman Baty Institute, University of Washington
No classification provided (evidence only). Condition: Breast-ovarian cancer, familial 1. Review status: no classification provided. Collection method: in vitro. Allele origin: not applicable. Functional consequence: functionally_normal. Not counted in ClinVar's aggregate classification.
ClinVar note: "not provided" was previously submitted as the classification for the variant. However, the classification appeared to be based only on an observation of functional data so it was converted to no classification on 2025-07-30.

Literature cited by the submitters: PubMed 30209399 (cited by Quest Diagnostics Nichols Institute San Juan Capistrano); PubMed 24094589 (cited by Counsyl).

NM_007294.4(BRCA1):c.5328C>T (p.Pro1776=)

Gene: BRCA1 (BRCA1 DNA repair associated; minus strand). Cytogenetic location: 17q21.31.
Variant type: single nucleotide variant.
Coding change: c.5328C>T on transcript NM_007294.4 (MANE Select); coding-DNA position 5328, C replaced by T.
Protein change: p.Pro1776=; no amino-acid change (proline 1776 retained).
Molecular consequence: synonymous variant. On other transcripts: intron variant (2).
Genome position (GRCh38, 1-based): chr17:43,051,067, G>A on the plus strand (C>T on the coding strand, the complement: BRCA1 is on the minus strand). VCF-style: chr17-43051067-G-A. GRCh37 (hg19) VCF-style: chr17-41203084-G-A.
Other names: c.1896C>T, p.Pro632= (NM_001408426.1, NM_001408427.1, NM_001408428.1 and 4 more transcripts); c.1893C>T, p.Pro631= (NM_001408432.1, NM_001408433.1, NM_001408434.1 and 10 more transcripts); c.1890C>T, p.Pro630= (NM_001408445.1, NM_001408446.1, NM_001408447.1 and 2 more transcripts); c.1884C>T, p.Pro628= (NM_001408451.1); c.1878C>T, p.Pro626= (NM_001408452.1, NM_001408453.1, NM_001408454.1 and 3 more transcripts); c.1875C>T, p.Pro625= (NM_001408458.1, NM_001408459.1, NM_001408460.1 and 7 more transcripts); c.1872C>T, p.Pro624= (NM_001408468.1, NM_001408469.1, NM_001408470.1); c.2016C>T, p.Pro672= (NM_001408472.1, NM_007298.4, NM_007299.4 and 13 more transcripts); and 74 more.
Identifiers: ClinVar variation 185660 (VCV000185660.31), dbSNP rs759867616, ClinGen allele CA003480.